The following is an entry in ClinVar:

NM_001032283.3(TMPO):c.565+1574G>A

Gene: TMPO (thymopoietin; plus strand). Cytogenetic location: 12q23.1.
Variant type: single nucleotide variant.
Coding change: c.565+1574G>A on transcript NM_001032283.3 (MANE Select); 1574 bases into the intron after coding-DNA position 565, G replaced by A.
Molecular consequence: intron variant. On other transcripts: synonymous variant (1).
Genome position (GRCh38, 1-based): chr12:98,533,412, G>A. VCF-style: chr12-98533412-G-A. GRCh37 (hg19) VCF-style: chr12-98927190-G-A.
Other names: c.1155G>A, p.Leu385= (NM_003276.2); c.565+1574G>A (NM_001307975.2, NM_001032284.3).
Identifiers: ClinVar variation 387392 (VCV000387392.13), dbSNP rs756784841, ClinGen allele CA6732370.

ClinVar aggregate classification (germline): Likely benign. Review status: criteria provided, multiple submitters, no conflicts (2 of 4 stars). 4 submissions from 4 submitters: Likely benign (3). 1 of the submissions does not count toward it. Last evaluated 2024-03-21.

Conditions:
TMPO-related disorder. Also called: TMPO-related condition.
Loeys-Dietz syndrome 2 (LDS2). Also called: AORTIC ANEURYSM, FAMILIAL THORACIC 3; MARFAN SYNDROME, TYPE II; Marfan Syndrome type 2; Marfan like connective tissue disorder; MFS 2; Marfan syndrome, type 2 (formerly). Identifiers: Orphanet 284973, Orphanet 558, MedGen C2674574, MONDO:0012427, OMIM 610168.

Allele frequency attached by ClinVar (database versions not stated): TOPMed 0.00009; ExAC 0.00001; gnomAD 0.00003 and 0.00004.
gnomAD v4.1: 12 of 1,614,046 alleles (0.00074%); highest among the groups gnomAD compares: African/African-American, 0.012%; no homozygotes.

Submissions (4):

Labcorp Genetics (formerly Invitae), Labcorp
Classification: Likely benign for Loeys-Dietz syndrome 2. Last evaluated: 2024-03-21. Review status: criteria provided, single submitter. Criteria: Invitae Variant Classification Sherloc (09022015). Collection method: clinical testing. Allele origin: germline.

Ambry Genetics
Classification: Likely benign. Last evaluated: 2022-03-19. Review status: criteria provided, single submitter. Criteria: Ambry Variant Classification Scheme 2023. Collection method: clinical testing. Allele origin: germline.

GeneDx
Classification: Likely benign. Last evaluated: 2018-02-06. Review status: criteria provided, single submitter. Criteria: GeneDx Variant Classification (06012015). Collection method: clinical testing. Allele origin: germline. Affected: yes.
Comment: This variant is considered likely benign or benign based on one or more of the following criteria: it is a conservative change, it occurs at a poorly conserved position in the protein, it is predicted to be benign by multiple in silico algorithms, and/or has population frequency not consistent with disease.

PreventionGenetics, part of Exact Sciences
Classification: Likely benign for TMPO-related condition. Last evaluated: 2024-06-22. Review status: no assertion criteria provided. Collection method: clinical testing. Allele origin: germline. Not counted in ClinVar's aggregate classification.
Comment: This variant is classified as likely benign based on ACMG/AMP sequence variant interpretation guidelines (Richards et al. 2015 PMID: 25741868, with internal and published modifications).